The following is an entry in ClinVar:

ClinVar aggregate classification (germline): Benign/Likely benign. Review status: criteria provided, multiple submitters, no conflicts (2 of 4 stars). 8 submissions from 8 submitters: Benign (4); Likely benign (3). 1 of the submissions does not count toward it. Last evaluated 2026-01-31.

Conditions:
Inborn genetic diseases. Identifiers: MedGen C0950123, MeSH D030342.
Hereditary insensitivity to pain with anhidrosis (CIPA). Also called: FAMILIAL DYSAUTONOMIA, TYPE II; NTRK1 Congenital Insensitivity to Pain with Anhidrosis; NEUROPATHY, CONGENITAL SENSORY, WITH ANHIDROSIS; hereditary sensory and autonomic neuropathy type 4; INSENSITIVITY TO PAIN, CONGENITAL, WITH ANHIDROSIS; HSAN Type IV. Identifiers: Orphanet 642, MedGen C0020074, MONDO:0009746, OMIM 256800.

Allele frequency attached by ClinVar (database versions not stated): gnomAD exomes 0.00170; ExAC 0.00190; gnomAD 0.00544 and 0.00563; TOPMed 0.00553; ESP Exome Variant Server 0.00554; 1000 Genomes Project 0.00699; 1000 Genomes Project 30x 0.00703.

Submissions (8):

Labcorp Genetics (formerly Invitae), Labcorp
Classification: Benign for Hereditary insensitivity to pain with anhidrosis. Last evaluated: 2026-01-31. Review status: criteria provided, single submitter. Criteria: Invitae Variant Classification Sherloc (09022015). Collection method: clinical testing. Allele origin: germline.

Blueprint Genetics
Classification: Likely benign. Last evaluated: 2024-11-14. Review status: criteria provided, single submitter. Criteria: ACMG Guidelines, 2015. Collection method: clinical testing. Allele origin: germline.

Genome-Nilou Lab
Classification: Likely benign for Hereditary insensitivity to pain with anhidrosis. Last evaluated: 2023-04-11. Review status: criteria provided, single submitter. Criteria: ACMG Guidelines, 2015. Collection method: clinical testing. Allele origin: germline. Affected: no.

Ambry Genetics
Classification: Likely benign for Inborn genetic diseases. Last evaluated: 2019-07-11. Review status: criteria provided, single submitter. Criteria: Ambry Variant Classification Scheme 2023. Collection method: clinical testing. Allele origin: germline.

Illumina Laboratory Services, Illumina
Classification: Benign for Hereditary insensitivity to pain with anhidrosis. Last evaluated: 2018-01-13. Review status: criteria provided, single submitter. Criteria: ICSL Variant Classification Criteria 13 December 2019. Collection method: clinical testing. Allele origin: germline.
Comment: This variant was observed in the ICSL laboratory as part of a predisposition screen in an ostensibly healthy population. It had not been previously curated by ICSL or reported in the Human Gene Mutation Database (HGMD: prior to June 1st, 2018), and was therefore a candidate for classification through an automated scoring system. Utilizing variant allele frequency, disease prevalence and penetrance estimates, and inheritance mode, an automated score was calculated to assess if this variant is too frequent to cause the disease. Based on the score and internal cut-off values, a variant classified as benign is not then subjected to further curation. The score for this variant resulted in a classification of benign for this disease.

GeneDx
Classification: Benign. Last evaluated: 2015-03-03. Review status: criteria provided, single submitter. Criteria: GeneDx Variant Classification Process June 2021. Collection method: clinical testing. Allele origin: germline. Affected: yes.

Breakthrough Genomics
Classification: Benign. Review status: criteria provided, single submitter. Criteria: ACMG Guidelines, 2015. Collection method: not provided. Allele origin: germline. Inheritance: Autosomal recessive inheritance. Affected: yes.

Natera, Inc.
Classification: Benign for Hereditary insensitivity to pain with anhidrosis. Last evaluated: 2020-09-16. Review status: no assertion criteria provided. Collection method: clinical testing. Allele origin: germline. Not counted in ClinVar's aggregate classification.

NM_002529.4(NTRK1):c.1728C>T (p.Phe576=)

Gene: NTRK1 (neurotrophic receptor tyrosine kinase 1; plus strand). Cytogenetic location: 1q23.1.
Variant type: single nucleotide variant.
Coding change: c.1728C>T on transcript NM_002529.4 (MANE Select); coding-DNA position 1728, C replaced by T.
Protein change: p.Phe576=; no amino-acid change (phenylalanine 576 retained).
Molecular consequence: synonymous variant.
Genome position (GRCh38, 1-based): chr1:156,876,495, C>T. VCF-style: chr1-156876495-C-T. GRCh37 (hg19) VCF-style: chr1-156846287-C-T.
Other names: c.1620C>T, p.Phe540= (NM_001007792.1); c.1710C>T, p.Phe570= (NM_001012331.2).
Identifiers: ClinVar variation 292890 (VCV000292890.22), dbSNP rs6335, ClinGen allele CA1169448.